The following is an entry in ClinVar:

NM_152618.3(BBS12):c.1102C>T (p.Arg368Cys)

Gene: BBS12 (Bardet-Biedl syndrome 12; plus strand). Cytogenetic location: 4q27.
Variant type: single nucleotide variant.
Coding change: c.1102C>T on transcript NM_152618.3 (MANE Select); coding-DNA position 1102, C replaced by T.
Protein change: p.Arg368Cys; replaces arginine 368 with cysteine.
Molecular consequence: missense variant.
Genome position (GRCh38, 1-based): chr4:122,742,994, C>T. VCF-style: chr4-122742994-C-T. GRCh37 (hg19) VCF-style: chr4-123664149-C-T.
Other names: c.1102C>T, p.Arg368Cys (NM_001178007.2); c.1102C>T (NM_152618.2); short protein forms R368C.
Identifiers: ClinVar variation 1511663 (VCV001511663.6), dbSNP rs372534521, ClinGen allele CA3069374.

ClinVar aggregate classification (germline): Uncertain significance. Review status: criteria provided, multiple submitters, no conflicts (2 of 4 stars). 3 submissions from 3 submitters: Uncertain significance (3). Last evaluated 2026-04-13.

Conditions:
BBS12-related disorder. Also called: BBS12-related condition.
Bardet-Biedl syndrome (BBS). Identifiers: Orphanet 110, MedGen C0752166, MONDO:0015229.

Allele frequency attached by ClinVar (database versions not stated): gnomAD 0.00005 and 0.00006; TOPMed 0.00005; gnomAD exomes 0.00006; ExAC 0.00007; ESP Exome Variant Server 0.00008.

Submissions (3):

PreventionGenetics, part of Exact Sciences
Classification: Uncertain significance for BBS12-related condition. Last evaluated: 2026-04-13. Review status: criteria provided, single submitter. Criteria: ACMG Guidelines, 2015. Collection method: clinical testing. Allele origin: germline.
Comment: The BBS12 c.1102C>T variant is predicted to result in the amino acid substitution p.Arg368Cys. This variant has been reported in the heterozygous state in an individual with Bardet-Biedl syndrome; however, a second BBS12 variant was not identified (Zacchia et al. 2021. PubMed ID: 33964006). This variant is reported in 0.012% of alleles in individuals of European (Non-Finnish) descent in gnomAD. At this time, the clinical significance of this variant is uncertain due to the absence of conclusive functional and genetic evidence.

Blueprint Genetics
Classification: Uncertain significance. Last evaluated: 2024-09-19. Review status: criteria provided, single submitter. Criteria: ACMG Guidelines, 2015. Collection method: clinical testing. Allele origin: germline.

Labcorp Genetics (formerly Invitae), Labcorp
Classification: Uncertain significance for Bardet-Biedl syndrome. Last evaluated: 2022-05-08. Review status: criteria provided, single submitter. Criteria: Invitae Variant Classification Sherloc (09022015). Collection method: clinical testing. Allele origin: germline.
Comment: This sequence change replaces arginine, which is basic and polar, with cysteine, which is neutral and slightly polar, at codon 368 of the BBS12 protein (p.Arg368Cys). This variant is present in population databases (rs372534521, gnomAD 0.01%). This missense change has been observed in individual(s) with Bardet-Biedl syndrome (PMID: 33964006). Algorithms developed to predict the effect of missense changes on protein structure and function output the following: SIFT: "Tolerated"; PolyPhen-2: "Benign"; Align-GVGD: "Class C0". The cysteine amino acid residue is found in multiple mammalian species, which suggests that this missense change does not adversely affect protein function. In summary, the available evidence is currently insufficient to determine the role of this variant in disease. Therefore, it has been classified as a Variant of Uncertain Significance.

Literature cited by the submitters: PubMed 33964006 (cited by Labcorp Genetics (formerly Invitae), Labcorp).